The following is an entry in ClinVar:

ClinVar aggregate classification (germline): Benign/Likely benign. Review status: criteria provided, multiple submitters, no conflicts (2 of 4 stars). 3 submissions from 3 submitters: Benign (1); Likely benign (2). Last evaluated 2026-09-28.

Conditions:
Neurofibromatosis, type 1 (NF1). Also called: Neurofibromatosis, type I; VON RECKLINGHAUSEN DISEASE; Peripheral type neurofibromatosis; NEUROFIBROMATOSIS, TYPE I, SOMATIC. Identifiers: Orphanet 636, MedGen C0027831, MONDO:0018975, OMIM 162200. Disease mechanism: loss of function.
Cardiovascular phenotype. Identifiers: MedGen CN230736.
Hereditary cancer-predisposing syndrome. Also called: Hereditary Cancer Syndrome; Hereditary neoplastic syndrome; Neoplastic Syndromes, Hereditary; Tumor predisposition. Identifiers: Orphanet 140162, MedGen C0027672, MeSH D009386, MONDO:0015356.

Allele frequency attached by ClinVar (database versions not stated): gnomAD exomes below 0.00001; gnomAD 0.00001.
gnomAD v4.1: 2 of 1,613,042 alleles (0.00012%); highest among the groups gnomAD compares: Admixed American, 0.0017%; no homozygotes.

Submissions (3):

Myriad Genetics, Inc.
Classification: Benign for Neurofibromatosis, type 1. Last evaluated: 2026-09-28. Review status: criteria provided, single submitter. Criteria: Myriad Autosomal Dominant, Autosomal Recessive and X-Linked Classification Criteria (2023). Collection method: clinical testing. Allele origin: unknown.
Comment: This variant is considered benign. This variant is a silent/synonymous amino acid change and it is not expected to impact splicing.

Labcorp Genetics (formerly Invitae), Labcorp
Classification: Likely benign for Neurofibromatosis, type 1. Last evaluated: 2026-01-14. Review status: criteria provided, single submitter. Criteria: Invitae Variant Classification Sherloc (09022015). Collection method: clinical testing. Allele origin: germline.

Ambry Genetics
Classification: Likely benign for Cardiovascular phenotype; Hereditary cancer-predisposing syndrome. Last evaluated: 2019-09-06. Review status: criteria provided, single submitter. Criteria: Ambry Variant Classification Scheme 2023. Collection method: clinical testing. Allele origin: germline.

NM_001042492.3(NF1):c.1506A>G (p.Ala502=)

Gene: NF1 (neurofibromin 1; plus strand). Cytogenetic location: 17q11.2.
Variant type: single nucleotide variant.
Coding change: c.1506A>G on transcript NM_001042492.3 (MANE Select); coding-DNA position 1506, A replaced by G.
Protein change: p.Ala502=; no amino-acid change (alanine 502 retained).
Molecular consequence: synonymous variant.
Genome position (GRCh38, 1-based): chr17:31,214,564, A>G. VCF-style: chr17-31214564-A-G. GRCh37 (hg19) VCF-style: chr17-29541582-A-G.
Other names: c.1506A>G, p.Ala502= (NM_000267.4, NM_001128147.3).
Identifiers: ClinVar variation 1155634 (VCV001155634.10), dbSNP rs1597698488, ClinGen allele CA499225240.